The following is an entry in ClinVar:

ClinVar aggregate classification (germline): Uncertain significance. Review status: criteria provided, multiple submitters, no conflicts (2 of 4 stars). 2 submissions from 2 submitters: Uncertain significance (2). Last evaluated 2024-11-13.

Conditions:
Nizon-Isidor syndrome. Identifiers: MedGen C5394350, MONDO:0030030, OMIM 618872.
Inborn genetic diseases. Identifiers: MedGen C0950123, MeSH D030342.

gnomAD v4.1: 17 of 1,613,930 alleles (0.0011%); highest among the groups gnomAD compares: African/African-American, 0.011%; no homozygotes.

Submissions (2):

Ambry Genetics
Classification: Uncertain significance for Inborn genetic diseases. Last evaluated: 2024-11-13. Review status: criteria provided, single submitter. Criteria: Ambry Variant Classification Scheme 2023. Collection method: clinical testing. Allele origin: germline.

Pittsburgh Clinical Genomics Laboratory, University of Pittsburgh Medical Center
Classification: Uncertain significance for Nizon-Isidor syndrome. Last evaluated: 2022-01-26. Review status: criteria provided, single submitter. Criteria: ACMG Guidelines, 2015. Collection method: clinical testing. Allele origin: germline. Inheritance: Autosomal dominant inheritance. Affected: yes.
Comment: This sequence variant is a single nucleotide substitution (C>T) at position 6161 of the coding sequence of the MED12L gene that results in a proline to leucine amino acid change at residue 2054 of the MED12L encoded Mediator Complex Subunit 12L protein. This variant is rare in control population datasets (gnomAD database, 2 of 251,330 alleles, 0.0008%) and is absent from online databases of clinically annotated variants (ClinVar). This variant has not been observed in an individual with a MED12L-related disorder in the published literature, to our knowledge. Multiple bioinformatic tools predict that this proline to leucine amino acid change would be neutral, and the Pro2054 residue is moderately conserved across the vertebrate species examined. Studies examining the functiol consequence of this variant have not been published, to our knowledge. At this time, there is insufficient evidence to determine if this variant is pathogenic or benign. Therefore, we consider this a variant of uncertain significance. ACMG Criteria: BP1, BP4, PM2

NM_001393769.1(MED12L):c.6266C>T (p.Pro2089Leu)

Gene: MED12L (mediator complex subunit 12L; plus strand). Cytogenetic location: 3q25.1.
Variant type: single nucleotide variant.
Coding change: c.6266C>T on transcript NM_001393769.1 (MANE Select); coding-DNA position 6266, C replaced by T.
Protein change: p.Pro2089Leu; replaces proline 2089 with leucine.
Molecular consequence: missense variant.
Genome position (GRCh38, 1-based): chr3:151,413,264, C>T. VCF-style: chr3-151413264-C-T. GRCh37 (hg19) VCF-style: chr3-151131052-C-T.
Other names: c.6161C>T, p.Pro2054Leu (NM_053002.6); c.6161C>T (NM_053002.4); short protein forms P2054L, P2089L.
Identifiers: ClinVar variation 3376238 (VCV003376238.2).
Genomic context (GRCh38, chr3:151,413,264, plus strand): 5'-CTGCACATCCAAACCTTCCCTCCGTGCCCCTGCCTCAGGATCCCATGAGACCCAGACAGC[C>T]GCAAGTTCGACAGCAGCAGAGACTCCTCCAGGTACGGGGCAGGGAGATGAGGGCAATGCC-3'
Protein context (NP_001380698.1, residues 2079-2099): LPQDPMRPRQ[Pro2089Leu]QVRQQQRLLQ